The following is an entry in ClinVar:

ClinVar aggregate classification (germline): Uncertain significance (1 of 4 stars; one submission).

Allele frequency attached by ClinVar (database versions not stated): gnomAD exomes below 0.00001.
gnomAD v4.1: 2 of 1,614,172 alleles (0.00012%); highest among the groups gnomAD compares: Non-Finnish European, 0.00017%; no homozygotes.

Submission:

Ambry Genetics
Classification: Uncertain significance. Last evaluated: 2023-07-19. Review status: criteria provided, single submitter. Criteria: Ambry Variant Classification Scheme 2023. Collection method: clinical testing. Allele origin: germline.
Comment: The p.I77F variant (also known as c.229A>T), located in coding exon 3 of the KIF1B gene, results from an A to T substitution at nucleotide position 229. The isoleucine at codon 77 is replaced by phenylalanine, an amino acid with highly similar properties. This amino acid position is conserved. In addition, this alteration is predicted to be deleterious by in silico analysis. Since supporting evidence is limited at this time, the clinical significance of this alteration remains unclear.

NM_001365951.3(KIF1B):c.229A>T (p.Ile77Phe)

Gene: KIF1B (kinesin family member 1B; plus strand). Cytogenetic location: 1p36.22.
Variant type: single nucleotide variant.
Coding change: c.229A>T on transcript NM_001365951.3 (MANE Select); coding-DNA position 229, A replaced by T.
Protein change: p.Ile77Phe; replaces isoleucine 77 with phenylalanine.
Molecular consequence: missense variant.
Genome position (GRCh38, 1-based): chr1:10,258,538, A>T. VCF-style: chr1-10258538-A-T. GRCh37 (hg19) VCF-style: chr1-10318596-A-T.
Other names: c.229A>T, p.Ile77Phe (NM_001365952.1, NM_001365953.1, NM_015074.3 and 1 more transcripts); short protein forms I77F.
Identifiers: ClinVar variation 2624428 (VCV002624428.2), dbSNP rs2523465329, ClinGen allele CA338324936.